The following is an entry in ClinVar:

NM_014476.6(PDLIM3):c.857_870del (p.Gly286fs)

Gene: PDLIM3 (PDZ and LIM domain 3; minus strand). Cytogenetic location: 4q35.1.
Variant type: Deletion.
Coding change: c.857_870del on transcript NM_014476.6 (MANE Select); coding-DNA positions 857 to 870, 14 bases deleted (GCGGGGCACAGAGG).
Protein change: p.Gly286fs; shifts the reading frame from glycine 286.
Molecular consequence: frameshift variant. On other transcripts: non-coding transcript variant (1).
Genome position (GRCh38, 1-based): chr4:185,504,510-185,504,523, CCTCTGTGCCCCGC deleted on the plus strand (GCGGGGCACAGAGG on the coding strand, the reverse complement: PDLIM3 is on the minus strand); deleting any 14 consecutive bases within chr4:185,504,510-185,504,524 gives the same sequence; the c. name uses the placement nearest the transcript's 3' end. VCF-style (leftmost placement, unchanged base first): chr4-185504509-TCCTCTGTGCCCCGC-T. GRCh37 (hg19) VCF-style: chr4-186425663-TCCTCTGTGCCCCGC-T.
Other names: c.713_726del, p.Gly238fs (NM_001114107.5); c.593_606del, p.Gly198fs (NM_001257962.2); c.356_369del, p.Gly119fs (NM_001257963.2); short protein forms G198fs, G238fs, G286fs, G119fs.
Identifiers: ClinVar variation 2943672 (VCV002943672.3), dbSNP rs2478320785, ClinGen allele CA2740090821.

ClinVar aggregate classification (germline): Uncertain significance (1 of 4 stars; one submission).

Conditions:
Primary dilated cardiomyopathy (DCM). Also called: Dilated Cardiomyopathy. Identifiers: Orphanet 217604, MedGen C0007193, MeSH D002311, MONDO:0005021, HP:0001644. Inheritance: Various modes of inheritance.
Hypertrophic cardiomyopathy. Also called: HYPERTROPHIC MYOCARDIOPATHY. Identifiers: Orphanet 217569, MedGen C0007194, MeSH D002312, MONDO:0005045, HP:0001639.

Submission:

Labcorp Genetics (formerly Invitae), Labcorp
Classification: Uncertain significance for Hypertrophic cardiomyopathy; Primary dilated cardiomyopathy. Last evaluated: 2023-01-28. Review status: criteria provided, single submitter. Criteria: Invitae Variant Classification Sherloc (09022015). Collection method: clinical testing. Allele origin: germline.
Comment: Experimental studies and prediction algorithms are not available or were not evaluated, and the functional significance of this variant is currently unknown. In summary, the available evidence is currently insufficient to determine the role of this variant in disease. Therefore, it has been classified as a Variant of Uncertain Significance. This variant has not been reported in the literature in individuals affected with PDLIM3-related conditions. This variant is not present in population databases (gnomAD no frequency). This sequence change creates a premature translational stop signal (p.Gly286Aspfs*5) in the PDLIM3 gene. While this is not anticipated to result in nonsense mediated decay, it is expected to disrupt the last 79 amino acid(s) of the PDLIM3 protein.